The following is an entry in ClinVar:

NM_000143.4(FH):c.353A>G (p.Asn118Ser)

Gene: FH (fumarate hydratase; minus strand). Cytogenetic location: 1q43.
Variant type: single nucleotide variant.
Coding change: c.353A>G on transcript NM_000143.4 (MANE Select); coding-DNA position 353, A replaced by G.
Protein change: p.Asn118Ser; replaces asparagine 118 with serine.
Molecular consequence: missense variant.
Genome position (GRCh38, 1-based): chr1:241,513,628, T>C on the plus strand (A>G on the coding strand, the complement: FH is on the minus strand). VCF-style: chr1-241513628-T-C. GRCh37 (hg19) VCF-style: chr1-241676928-T-C.
Other names: short protein forms N118S.
Identifiers: ClinVar variation 4257340 (VCV004257340.1).

ClinVar aggregate classification (germline): Uncertain significance (1 of 4 stars; one submission).

Conditions:
Hereditary cancer-predisposing syndrome. Also called: Hereditary Cancer Syndrome; Hereditary neoplastic syndrome; Neoplastic Syndromes, Hereditary; Tumor predisposition. Identifiers: Orphanet 140162, MedGen C0027672, MeSH D009386, MONDO:0015356.

Submission:

Ambry Genetics
Classification: Uncertain significance for Hereditary cancer-predisposing syndrome. Last evaluated: 2025-07-09. Review status: criteria provided, single submitter. Criteria: Ambry Variant Classification Scheme 2023. Collection method: clinical testing. Allele origin: germline.
Comment: The p.N118S variant (also known as c.353A>G), located in coding exon 3 of the FH gene, results from an A to G substitution at nucleotide position 353. The asparagine at codon 118 is replaced by serine, an amino acid with highly similar properties. This amino acid position is conserved. In addition, this alteration is predicted to be tolerated by in silico analysis. Based on the available evidence, the clinical significance of this variant remains unclear.